The following is an entry in ClinVar:

NM_001170820.4(IFITM10):c.207G>A (p.Ser69=)

Gene: IFITM10 (interferon induced transmembrane protein 10; minus strand). Cytogenetic location: 11p15.5.
Variant type: single nucleotide variant.
Coding change: c.207G>A on transcript NM_001170820.4 (MANE Select); coding-DNA position 207, G replaced by A.
Protein change: p.Ser69=; no amino-acid change (serine 69 retained).
Molecular consequence: synonymous variant.
Genome position (GRCh38, 1-based): chr11:1,747,997, C>T on the plus strand (G>A on the coding strand, the complement: IFITM10 is on the minus strand). VCF-style: chr11-1747997-C-T. GRCh37 (hg19) VCF-style: chr11-1769227-C-T.
Identifiers: ClinVar variation 2641350 (VCV002641350.24), dbSNP rs143108004, ClinGen allele CA5813819.
Genomic context (GRCh38, chr11:1,747,997, plus strand): 5'-AGGGGCCGCCGGAGCCTGCAGGGCAGGGGGCTTGGACACGCAAGCGAAGCAGCCCTTGGG[C>T]GAACCTGCCGGGGGCCTCGGAATCCAGAAGGCCCCGTCCAGGGGGACTCGGGCTTCCTGG-3'
Protein context (NP_001164291.2, residues 59-79): AFWIPRPPAG[Ser69=]PKGCFACVSK

ClinVar aggregate classification (germline): Likely benign (1 of 4 stars; one submission).

Allele frequency attached by ClinVar (database versions not stated): TOPMed 0.00066; gnomAD 0.00074; gnomAD exomes 0.00074; 1000 Genomes Project 30x 0.00094; 1000 Genomes Project 0.00120; ExAC 0.00328.
gnomAD v4.1: 1,122 of 1,442,282 alleles (0.078%); highest among the groups gnomAD compares: Middle Eastern, 1.4%; 9 homozygotes.

Submission:

CeGaT Center for Human Genetics Tuebingen
Classification: Likely benign. Last evaluated: 2022-09-01. Review status: criteria provided, single submitter. Criteria: CeGaT Center For Human Genetics Tuebingen Variant Classification Criteria Version 2. Collection method: clinical testing. Allele origin: germline. Affected: yes. Observed: 1 variant allele.
Comment: IFITM10: BP4, BP7